The following is an entry in ClinVar:

NM_004963.4(GUCY2C):c.1390C>T (p.Arg464Cys)

Gene: GUCY2C (guanylate cyclase 2C; minus strand). Cytogenetic location: 12p12.3.
Variant type: single nucleotide variant.
Coding change: c.1390C>T on transcript NM_004963.4 (MANE Select); coding-DNA position 1390, C replaced by T.
Protein change: p.Arg464Cys; replaces arginine 464 with cysteine.
Molecular consequence: missense variant.
Genome position (GRCh38, 1-based): chr12:14,656,592, G>A on the plus strand (C>T on the coding strand, the complement: GUCY2C is on the minus strand). VCF-style: chr12-14656592-G-A. GRCh37 (hg19) VCF-style: chr12-14809526-G-A.
Other names: short protein forms R464C.
Identifiers: ClinVar variation 2741152 (VCV002741152.3), dbSNP rs756518777, ClinGen allele CA6463432.
Genomic context (GRCh38, chr12:14,656,592, plus strand): 5'-TCTCATTGGTCTCCAGAGGAAAGATATTTTCAGGAGGAATGTGGGACCATTTTTTCTGAC[G>A]AAGTTCATAATCTTTTCTATATTTTCTGTGAAAGGAATAAAACTGGTCAATAGGTTTTTA-3'
Protein context (NP_004954.2, residues 454-474): LRKYRKDYEL[Arg464Cys]QKKWSHIPPE

ClinVar aggregate classification (germline): Uncertain significance (1 of 4 stars; one submission).

Allele frequency attached by ClinVar (database versions not stated): ExAC 0.00002; gnomAD 0.00003; gnomAD exomes 0.00004; TOPMed 0.00004.
gnomAD v4.1: 62 of 1,581,736 alleles (0.0039%); highest among the groups gnomAD compares: Non-Finnish European, 0.0046%; no homozygotes.

Submission:

Labcorp Genetics (formerly Invitae), Labcorp
Classification: Uncertain significance. Last evaluated: 2023-10-17. Review status: criteria provided, single submitter. Criteria: Invitae Variant Classification Sherloc (09022015). Collection method: clinical testing. Allele origin: germline.
Comment: This sequence change replaces arginine, which is basic and polar, with cysteine, which is neutral and slightly polar, at codon 464 of the GUCY2C protein (p.Arg464Cys). This variant is present in population databases (rs756518777, gnomAD 0.004%). This variant has not been reported in the literature in individuals affected with GUCY2C-related conditions. Advanced modeling of protein sequence and biophysical properties (such as structural, functional, and spatial information, amino acid conservation, physicochemical variation, residue mobility, and thermodynamic stability) performed at Invitae indicates that this missense variant is expected to disrupt GUCY2C protein function. Algorithms developed to predict the effect of sequence changes on RNA splicing suggest that this variant may disrupt the consensus splice site. In summary, the available evidence is currently insufficient to determine the role of this variant in disease. Therefore, it has been classified as a Variant of Uncertain Significance.